The following is an entry in ClinVar:

NM_000051.4(ATM):c.3747-210T>A

Gene: ATM (ATM serine/threonine kinase; plus strand). Cytogenetic location: 11q22.3.
Variant type: single nucleotide variant.
Coding change: c.3747-210T>A on transcript NM_000051.4 (MANE Select); 210 bases into the intron before coding-DNA position 3747, T replaced by A.
Molecular consequence: intron variant.
Genome position (GRCh38, 1-based): chr11:108,284,017, T>A. VCF-style: chr11-108284017-T-A. GRCh37 (hg19) VCF-style: chr11-108154744-T-A.
Other names: c.3747-210T>A (NM_001351834.2).
Identifiers: ClinVar variation 3802353 (VCV003802353.1).
Genomic context (GRCh38, chr11:108,284,017, plus strand): 5'-TCTTTTTGCTAAGGGTGCTACTGAACAAGGTCCCATTTTTAAATCCCATAATTATGGTGG[T>A]GGTATGTTCTAAGCTTTCTAATTTTTTTAATGTGACTATTTAGAATTTACTTAATTTTTC-3'

ClinVar aggregate classification (germline): Likely pathogenic (1 of 4 stars; one submission).

Conditions:
Hereditary cancer-predisposing syndrome. Also called: Neoplastic Syndromes, Hereditary; Hereditary Cancer Syndrome; Tumor predisposition; Hereditary neoplastic syndrome. Identifiers: Orphanet 140162, MedGen C0027672, MeSH D009386, MONDO:0015356.

Submission:

Ambry Genetics
Classification: Likely pathogenic for Hereditary cancer-predisposing syndrome. Last evaluated: 2025-02-06. Review status: criteria provided, single submitter. Criteria: Ambry Variant Classification Scheme 2023. Collection method: clinical testing. Allele origin: germline.
Comment: The c.3747-210T>A intronic variant results from a T to A substitution 210 nucleotides upstream from coding exon 25 in the ATM gene. This nucleotide position is well conserved in available vertebrate species. In silico splice site analysis predicts that this alteration will result in the creation or strengthening of a novel splice donor site and will result in the creation or strengthening of a novel splice acceptor site. RNA studies have demonstrated that this alteration results in abnormal splicing in the set of samples tested (Ambry internal data). Based on the majority of available evidence to date, this variant is likely to be pathogenic.